The following is an entry in ClinVar:

NM_001098511.3(KIF2A):c.1911+1G>A

Gene: KIF2A (kinesin family member 2A; plus strand). Cytogenetic location: 5q12.1.
Variant type: single nucleotide variant.
Coding change: c.1911+1G>A on transcript NM_001098511.3 (MANE Select); the canonical splice donor site of the intron after coding-DNA position 1911, G replaced by A.
Molecular consequence: splice donor variant.
Genome position (GRCh38, 1-based): chr5:62,373,838, G>A. VCF-style: chr5-62373838-G-A. GRCh37 (hg19) VCF-style: chr5-61669665-G-A.
Other names: c.1716+1G>A (NM_001243952.2); c.1797+1G>A (NM_004520.5); c.1740+1G>A (NM_001243953.2).
Identifiers: ClinVar variation 4088129 (VCV004088129.1).
Genomic context (GRCh38, chr5:62,373,838, plus strand): 5'-CAGTGGGGTGTGGGGAGTTCCCCTCAGAGAGATGATCTAAAACTTCTTTGTGAACAAAAT[G>A]TGAGTGTACTATGGTTGTAAATGTTATAATCTTAGTTCATTTCATCAGTAGCAGAACTTA-3'

ClinVar aggregate classification (germline): Uncertain significance (1 of 4 stars; one submission).

Submission:

GeneDx
Classification: Uncertain significance. Last evaluated: 2025-03-27. Review status: criteria provided, single submitter. Criteria: GeneDx Variant Classification Process June 2021. Collection method: clinical testing. Allele origin: germline. Affected: yes.
Comment: De novo variant with confirmed parentage in a patient from a large cohort with developmental disorders, but detailed clinical information was not provided (PMID: 33057194); Not observed at significant frequency in large population cohorts (gnomAD); Canonical splice site variant in a gene or region of a gene for which loss of function is not a well-established mechanism of disease; This variant is associated with the following publications: (PMID: 35982159, 33057194)